The following is an entry in ClinVar:

ClinVar aggregate classification (germline): Likely benign. Review status: criteria provided, multiple submitters, no conflicts (2 of 4 stars). 4 submissions from 4 submitters: Likely benign (2). 2 of the submissions do not count toward it. Last evaluated 2026-01-26.

Conditions:
HAX1-related disorder. Also called: HAX1-related condition.
Kostmann syndrome (SCN3). Also called: KOSTMANN DISEASE; Autosomal recessive severe congenital neutropenia type 3. Identifiers: Orphanet 99749, MedGen C5235141, MONDO:0012548, OMIM 610738.

Allele frequency attached by ClinVar (database versions not stated): gnomAD below 0.00001 and 0.00005; TOPMed 0.00002; gnomAD exomes 0.00013 and 0.00027; ExAC 0.00031; 1000 Genomes Project 0.00060; 1000 Genomes Project 30x 0.00062.
gnomAD v4.1: 198 of 1,614,136 alleles (0.012%); highest among the groups gnomAD compares: South Asian, 0.2%; no homozygotes.

Submissions (4):

Labcorp Genetics (formerly Invitae), Labcorp
Classification: Likely benign for Kostmann syndrome. Last evaluated: 2026-01-26. Review status: criteria provided, single submitter. Criteria: Invitae Variant Classification Sherloc (09022015). Collection method: clinical testing. Allele origin: germline.

Breakthrough Genomics
Classification: Likely benign. Review status: criteria provided, single submitter. Criteria: ACMG Guidelines, 2015. Collection method: not provided. Allele origin: germline. Inheritance: Autosomal recessive inheritance. Affected: yes.

PreventionGenetics, part of Exact Sciences
Classification: Likely benign for HAX1-related condition. Last evaluated: 2023-04-11. Review status: no assertion criteria provided. Collection method: clinical testing. Allele origin: germline. Not counted in ClinVar's aggregate classification.
Comment: This variant is classified as likely benign based on ACMG/AMP sequence variant interpretation guidelines (Richards et al. 2015 PMID: 25741868, with internal and published modifications).

Natera, Inc.
Classification: Likely benign for Autosomal recessive severe congenital neutropenia type 3. Last evaluated: 2020-01-31. Review status: no assertion criteria provided. Collection method: clinical testing. Allele origin: germline. Not counted in ClinVar's aggregate classification.

NM_006118.4(HAX1):c.436G>A (p.Glu146Lys)

Gene: HAX1 (HCLS1 associated protein X-1; plus strand). Cytogenetic location: 1q21.3.
Variant type: single nucleotide variant.
Coding change: c.436G>A on transcript NM_006118.4 (MANE Select); coding-DNA position 436, G replaced by A.
Protein change: p.Glu146Lys; replaces glutamic acid 146 with lysine.
Molecular consequence: missense variant.
Genome position (GRCh38, 1-based): chr1:154,273,893, G>A. VCF-style: chr1-154273893-G-A. GRCh37 (hg19) VCF-style: chr1-154246369-G-A.
Other names: c.292G>A, p.Glu98Lys (NM_001018837.2); short protein forms E98K, E146K.
Identifiers: ClinVar variation 748927 (VCV000748927.17), dbSNP rs114883767, ClinGen allele CA1127348.